The following is an entry in ClinVar:

ClinVar aggregate classification (germline): Uncertain significance (1 of 4 stars; one submission).

Allele frequency attached by ClinVar (database versions not stated): TOPMed below 0.00001; gnomAD 0.00001.
gnomAD v4.1: 1 of 1,169,058 alleles (0.000086%); highest among the groups gnomAD compares: Non-Finnish European, 0.00011%; no homozygotes.

Submission:

GeneDx
Classification: Uncertain significance. Last evaluated: 2023-04-17. Review status: criteria provided, single submitter. Criteria: GeneDx Variant Classification Process June 2021. Collection method: clinical testing. Allele origin: germline. Affected: yes.
Comment: Not observed at significant frequency in large population cohorts (gnomAD); In silico analysis supports that this missense variant does not alter protein structure/function; Has not been previously published as pathogenic or benign to our knowledge

NM_005334.3(HCFC1):c.2863T>A (p.Ser955Thr)

Gene: HCFC1 (host cell factor C1; minus strand). Cytogenetic location: Xq28.
Variant type: single nucleotide variant.
Coding change: c.2863T>A on transcript NM_005334.3 (MANE Select); coding-DNA position 2863, T replaced by A.
Protein change: p.Ser955Thr; replaces serine 955 with threonine.
Molecular consequence: missense variant.
Genome position (GRCh38, 1-based): chrX:153,955,536, A>T on the plus strand (T>A on the coding strand, the complement: HCFC1 is on the minus strand). VCF-style: chrX-153955536-A-T. GRCh37 (hg19) VCF-style: chrX-153220987-A-T.
Other names: c.2863T>A, p.Ser955Thr (NM_001410705.1); short protein forms S955T.
Identifiers: ClinVar variation 2662136 (VCV002662136.1), dbSNP rs2065366637, ClinGen allele CA415127234.
Genomic context (GRCh38, chrX:153,955,536, plus strand): 5'-GCACAGGCTGGGCCTCCACCCCACTAGGTGCCGTGATCAGAGTTACCTGGGTGGGCTGGG[A>T]CACGGGCTGGGGAGACACACGAGGAGGAGAGTTAGTGCTGCAGCTGGCTGTCTGCCTGTC-3'
Protein context (NP_005325.2, residues 945-965): TTPTITMQPV[Ser955Thr]QPTQVTLITA